The following is an entry in ClinVar:

NM_152281.3(GORAB):c.784C>T (p.Arg262Ter)

Gene: GORAB (golgin, RAB6 interacting; plus strand). Cytogenetic location: 1q24.2.
Variant type: single nucleotide variant.
Coding change: c.784C>T on transcript NM_152281.3 (MANE Select); coding-DNA position 784, C replaced by T.
Protein change: p.Arg262Ter; replaces arginine 262 with a stop codon.
Molecular consequence: nonsense. On other transcripts: non-coding transcript variant (1).
Genome position (GRCh38, 1-based): chr1:170,552,136, C>T. VCF-style: chr1-170552136-C-T. GRCh37 (hg19) VCF-style: chr1-170521277-C-T.
Other names: GORAB, ARG262TER; c.319C>T, p.Arg107Ter (NM_001320252.2); short protein forms R107*.
Identifiers: ClinVar variation 2652 (VCV000002652.7), dbSNP rs119455952, ClinGen allele CA115664.

ClinVar aggregate classification (germline): Pathogenic/Likely pathogenic. Review status: criteria provided, multiple submitters, no conflicts (2 of 4 stars). 3 submissions from 3 submitters: Pathogenic (1); Likely pathogenic (1). 1 of the submissions does not count toward it. Last evaluated 2025-05-21.

Conditions:
Geroderma osteodysplastica (GO). Also called: WALT DISNEY DWARFISM; Geroderma osteodysplasticum. Identifiers: Orphanet 2078, MedGen C0432255, MONDO:0009271, OMIM 231070.

Allele frequency attached by ClinVar (database versions not stated): TOPMed below 0.00001; ExAC 0.00002; gnomAD exomes 0.00001.

Submissions (3):

Labcorp Genetics (formerly Invitae), Labcorp
Classification: Likely pathogenic. Last evaluated: 2025-05-21. Review status: criteria provided, single submitter. Criteria: Invitae Variant Classification Sherloc (09022015). Collection method: clinical testing. Allele origin: germline.
Comment: This sequence change creates a premature translational stop signal (p.Arg287*) in the GORAB gene. While this is not anticipated to result in nonsense mediated decay, it is expected to disrupt the last 108 amino acid(s) of the GORAB protein. This variant is present in population databases (rs119455952, gnomAD 0.003%). This premature translational stop signal has been observed in individuals with geroderma osteodysplastica (PMID: 18997784, 31829210). This variant is also known as c.784C>T (p.Arg262X). This gene is also known as SCYL1BP1. ClinVar contains an entry for this variant (Variation ID: 2652). In summary, the currently available evidence indicates that the variant is pathogenic, but additional data are needed to prove that conclusively. Therefore, this variant has been classified as Likely Pathogenic.

Clinical Biomedical Laboratory, Shriners Hospital For Children - Canada
Classification: Pathogenic for Geroderma osteodysplastica. Last evaluated: 2025-05-12. Review status: criteria provided, single submitter. Criteria: ACMG Guidelines, 2015. Collection method: clinical testing. Allele origin: germline. Affected: yes.
Comment: This variant creates a premature stop codon in GORAB. This variant is rare in the Genome Aggregation Database (v2.1.1.). The variant has been reported in the literature (PMID 18997784, 31829210). Biallelic loss of function variants in GORAB are an established cause of gerodermia osteodysplastica. Based on the ACMG variant interpretation guidelines, the available evidence supports classification of this variant as pathogenic.

OMIM
Classification: Pathogenic for GERODERMA OSTEODYSPLASTICUM. Last evaluated: 2008-12-01. Review status: no assertion criteria provided. Collection method: literature only. Allele origin: germline. Not counted in ClinVar's aggregate classification.

Literature cited by the submitters: PubMed 18997784 (cited by 3 submitters); PubMed 31829210 (cited by Labcorp Genetics (formerly Invitae), Labcorp and Clinical Biomedical Laboratory, Shriners Hospital For Children - Canada).